The following is an entry in ClinVar:

ClinVar aggregate classification (germline): Conflicting classifications of pathogenicity. Review status: criteria provided, conflicting classifications (1 of 4 stars). 2 submissions from 2 submitters: Uncertain significance (1); Benign (1). Last evaluated 2025-04-23.

Conditions:
Inborn genetic diseases. Identifiers: MedGen C0950123, MeSH D030342.
Rubinstein-Taybi syndrome (RSTS). Identifiers: Orphanet 783, MedGen C0035934, MONDO:0019188.

Allele frequency attached by ClinVar (database versions not stated): gnomAD exomes below 0.00001.

Submissions (2):

Labcorp Genetics (formerly Invitae), Labcorp
Classification: Benign for Rubinstein-Taybi syndrome. Last evaluated: 2025-04-23. Review status: criteria provided, single submitter. Criteria: Invitae Variant Classification Sherloc (09022015). Collection method: clinical testing. Allele origin: germline.

Ambry Genetics
Classification: Uncertain significance for Inborn genetic diseases. Last evaluated: 2017-11-29. Review status: criteria provided, single submitter. Criteria: Ambry Variant Classification Scheme 2023. Collection method: clinical testing. Allele origin: germline.
Comment: The p.S1067N variant (also known as c.3200G>A), located in coding exon 16 of the CREBBP gene, results from a G to A substitution at nucleotide position 3200. The serine at codon 1067 is replaced by asparagine, an amino acid with highly similar properties. This amino acid position is poorly conserved in available vertebrate species. In addition, this alteration is predicted to be tolerated by in silico analysis. Since supporting evidence is limited at this time, the clinical significance of this alteration remains unclear.

NM_004380.3(CREBBP):c.3200G>A (p.Ser1067Asn)

Gene: CREBBP (CREB binding lysine acetyltransferase; minus strand). Cytogenetic location: 16p13.3.
Variant type: single nucleotide variant.
Coding change: c.3200G>A on transcript NM_004380.3 (MANE Select); coding-DNA position 3200, G replaced by A.
Protein change: p.Ser1067Asn; replaces serine 1067 with asparagine.
Molecular consequence: missense variant.
Genome position (GRCh38, 1-based): chr16:3,767,770, C>T on the plus strand (G>A on the coding strand, the complement: CREBBP is on the minus strand). VCF-style: chr16-3767770-C-T. GRCh37 (hg19) VCF-style: chr16-3817771-C-T.
Other names: c.3086G>A, p.Ser1029Asn (NM_001079846.1); short protein forms S1067N, S1029N.
Identifiers: ClinVar variation 1728816 (VCV001728816.7), dbSNP rs1315293522, ClinGen allele CA394570543.